The following is an entry in ClinVar:

ClinVar aggregate classification (germline): Uncertain significance. Review status: criteria provided, multiple submitters, no conflicts (2 of 4 stars). 4 submissions from 4 submitters: Uncertain significance (4). Last evaluated 2025-09-19.

Conditions:
TTC21B-related disorder. Also called: TTC21B-related disorders; TTC21B-related condition.
Nephronophthisis 12 (NPHP12). Identifiers: Orphanet 655, MedGen C3151186, MONDO:0013442, OMIM 613820.
Asphyxiating thoracic dystrophy 4 (SRTD4). Also called: SHORT-RIB THORACIC DYSPLASIA 4 WITH OR WITHOUT POLYDACTYLY; SHORT-RIB THORACIC DYSPLASIA 4. Identifiers: Orphanet 474, MedGen C3151185, MONDO:0013441, OMIM 613819.
Nephronophthisis. Also called: Juvenile Nephronophthisis. Identifiers: Orphanet 655, MedGen C0687120, MONDO:0019005, HP:0000090.
Jeune thoracic dystrophy. Also called: Jeune syndrome; Infantile thoracic dystrophy; Thoracic pelvic phalangeal dystrophy; Jeune's syndrome; Chondroectodermal dysplasia-like syndrome; Short-rib thoracic dysplasia. Identifiers: Orphanet 474, MedGen C0265275, MONDO:0018770.
Inborn genetic diseases. Identifiers: MedGen C0950123, MeSH D030342.

Allele frequency attached by ClinVar (database versions not stated): gnomAD exomes 0.00001 and 0.00002.
gnomAD v4.1: 25 of 1,613,964 alleles (0.0015%); highest among the groups gnomAD compares: African/African-American, 0.004%; no homozygotes.

Submissions (4):

PreventionGenetics, part of Exact Sciences
Classification: Uncertain significance for TTC21B-related condition. Last evaluated: 2025-09-19. Review status: criteria provided, single submitter. Criteria: ACMG Guidelines, 2015. Collection method: clinical testing. Allele origin: germline.
Comment: The TTC21B c.3524G>A variant is predicted to result in the amino acid substitution p.Arg1175Gln. To our knowledge, this variant has not been reported in the literature. This variant is reported in 0.0040% of alleles in individuals of African descent in gnomAD. At this time, the clinical significance of this variant is uncertain due to the absence of conclusive functional and genetic evidence.

Labcorp Genetics (formerly Invitae), Labcorp
Classification: Uncertain significance for Jeune thoracic dystrophy; Nephronophthisis. Last evaluated: 2024-12-18. Review status: criteria provided, single submitter. Criteria: Invitae Variant Classification Sherloc (09022015). Collection method: clinical testing. Allele origin: germline.
Comment: This sequence change replaces arginine, which is basic and polar, with glutamine, which is neutral and polar, at codon 1175 of the TTC21B protein (p.Arg1175Gln). This variant is present in population databases (no rsID available, gnomAD 0.004%). This variant has not been reported in the literature in individuals affected with TTC21B-related conditions. ClinVar contains an entry for this variant (Variation ID: 1357087). Invitae Evidence Modeling of protein sequence and biophysical properties (such as structural, functional, and spatial information, amino acid conservation, physicochemical variation, residue mobility, and thermodynamic stability) indicates that this missense variant is not expected to disrupt TTC21B protein function with a negative predictive value of 80%. In summary, the available evidence is currently insufficient to determine the role of this variant in disease. Therefore, it has been classified as a Variant of Uncertain Significance.

Ambry Genetics
Classification: Uncertain significance for Inborn genetic diseases. Last evaluated: 2024-11-20. Review status: criteria provided, single submitter. Criteria: Ambry Variant Classification Scheme 2023. Collection method: clinical testing. Allele origin: germline.

Fulgent Genetics
Classification: Uncertain significance for Asphyxiating thoracic dystrophy 4; Nephronophthisis 12. Last evaluated: 2024-05-31. Review status: criteria provided, single submitter. Criteria: ACMG Guidelines, 2015. Collection method: clinical testing. Allele origin: germline.

NM_024753.5(TTC21B):c.3524G>A (p.Arg1175Gln)

Gene: TTC21B (tetratricopeptide repeat domain 21B; minus strand). Cytogenetic location: 2q24.3.
Variant type: single nucleotide variant.
Coding change: c.3524G>A on transcript NM_024753.5 (MANE Select); coding-DNA position 3524, G replaced by A.
Protein change: p.Arg1175Gln; replaces arginine 1175 with glutamine.
Molecular consequence: missense variant.
Genome position (GRCh38, 1-based): chr2:165,883,954, C>T on the plus strand (G>A on the coding strand, the complement: TTC21B is on the minus strand). VCF-style: chr2-165883954-C-T. GRCh37 (hg19) VCF-style: chr2-166740464-C-T.
Other names: c.3524G>A (NM_024753.4, NM_024753.3); short protein forms R1175Q.
Identifiers: ClinVar variation 1357087 (VCV001357087.11), dbSNP rs987977269, ClinGen allele CA59769726.
Genomic context (GRCh38, chr2:165,883,954, plus strand): 5'-TCTTCAGCATCAATAGCATTCCAATTCATTTTCGCAATACGCTTCAGCTGGTTTCTGGCT[C>T]GTGGAGTCTGTTTCAAGATCATATAAGCCGTTGCCATTCCCAAGAGCGCTGGGATATGCT-3'
Protein context (NP_079029.3, residues 1165-1185): TAYMILKQTP[Arg1175Gln]ARNQLKRIAK